The following is an entry in ClinVar:

NM_022841.7(RFX7):c.2841ACCCAC[3] (p.948PT[8])

Gene: RFX7 (regulatory factor X7; minus strand). Cytogenetic location: 15q21.3.
Variant type: Microsatellite.
Coding change: c.2841ACCCAC[3] on transcript NM_022841.7 (MANE Select); three copies in a row of the 6-base unit ACCCAC starting at c.2841; the reference has four copies in a row; one copy, 6 bases deleted.
Protein change: p.948PT[8].
Molecular consequence: inframe deletion.
Genome position (GRCh38, 1-based): chr15:56,094,864-56,094,869, GTGGGT deleted on the plus strand (ACCCAC on the coding strand, the reverse complement: RFX7 is on the minus strand); deleting any 6 consecutive bases within chr15:56,094,864-56,094,890 gives the same sequence; the position shown is the placement nearest the transcript's 3' end. VCF-style (leftmost placement, unchanged base first): chr15-56094863-AGTGGGT-A. GRCh37 (hg19) VCF-style: chr15-56387061-AGTGGGT-A.
Other names: c.2550ACCCAC[3], p.851PT[8] (NM_001368073.2, NM_001368074.1, NM_001370554.1); c.2841ACCCAC[3], p.948PT[8] (NM_001370561.1).
Identifiers: ClinVar variation 2645372 (VCV002645372.24), dbSNP rs551989191, ClinGen allele CA7578054.

ClinVar aggregate classification (germline): Likely benign (1 of 4 stars; one submission).

Submission:

CeGaT Center for Human Genetics Tuebingen
Classification: Likely benign. Last evaluated: 2026-09-01. Review status: criteria provided, single submitter. Criteria: CeGaT Center For Human Genetics Tuebingen Variant Classification Criteria Version 2. Collection method: clinical testing. Allele origin: germline. Affected: yes. Observed: 11 variant alleles.
Comment: RFX7: PM4, BS1, BS2